The following is an entry in ClinVar:

ClinVar aggregate classification (germline): Uncertain significance (1 of 4 stars; one submission).

Conditions:
Koolen-de Vries syndrome (KDVS). Identifiers: Orphanet 96169, MedGen C1864871, MONDO:0012496, OMIM 610443.

Submission:

Labcorp Genetics (formerly Invitae), Labcorp
Classification: Uncertain significance for Koolen-de Vries syndrome. Last evaluated: 2023-04-22. Review status: criteria provided, single submitter. Criteria: Invitae Variant Classification Sherloc (09022015). Collection method: clinical testing. Allele origin: germline.
Comment: In summary, the available evidence is currently insufficient to determine the role of this variant in disease. Therefore, it has been classified as a Variant of Uncertain Significance. Advanced modeling of protein sequence and biophysical properties (such as structural, functional, and spatial information, amino acid conservation, physicochemical variation, residue mobility, and thermodynamic stability) performed at Invitae indicates that this missense variant is not expected to disrupt KANSL1 protein function. This variant has not been reported in the literature in individuals affected with KANSL1-related conditions. This variant is not present in population databases (gnomAD no frequency). This sequence change replaces glycine, which is neutral and non-polar, with serine, which is neutral and polar, at codon 586 of the KANSL1 protein (p.Gly586Ser).

NM_015443.4(KANSL1):c.1756G>A (p.Gly586Ser)

Gene: KANSL1 (KAT8 regulatory NSL complex subunit 1). Cytogenetic location: 17q21.31.
Variant type: single nucleotide variant.
Coding change: c.1756G>A on transcript NM_015443.4 (MANE Select); coding-DNA position 1756, G replaced by A.
Protein change: p.Gly586Ser; replaces glycine 586 with serine.
Molecular consequence: missense variant.
Genome position (GRCh38, 1-based): chr17:46,066,629, C>T on the plus strand (G>A on the coding strand, the complement: KANSL1 is on the minus strand). VCF-style: chr17-46066629-C-T. GRCh37 (hg19) VCF-style: chr17-44143995-C-T.
Other names: c.1756G>A, p.Gly586Ser (NM_001193465.2, NM_001193466.2, NM_001379198.1 and 14 more transcripts); c.1654G>A, p.Gly552Ser (NM_001405859.1, NM_001405881.1, NM_001405860.1 and 1 more transcripts); c.490G>A, p.Gly164Ser (NM_001405882.1, NM_001405883.1, NM_001405884.1 and 1 more transcripts); short protein forms G164S, G552S, G586S.
Identifiers: ClinVar variation 2858377 (VCV002858377.3), dbSNP rs2510757737, ClinGen allele CA399986579.